The following is an entry in ClinVar:

ClinVar aggregate classification (germline): Uncertain significance (1 of 4 stars; one submission).

Conditions:
Methylcobalamin deficiency type cblG (HMAG). Also called: Functional methionine synthase deficiency type cblG; HOMOCYSTINURIA-MEGALOBLASTIC ANEMIA DUE TO DEFECT IN COBALAMIN METABOLISM, cblG COMPLEMENTATION TYPE; HOMOCYSTINURIA-MEGALOBLASTIC ANEMIA, cblG TYPE; HOMOCYSTINURIA-MEGALOBLASTIC ANEMIA, cblG COMPLEMENTATION TYPE. Identifiers: Orphanet 2170, Orphanet 622, MedGen C1855128, MONDO:0009609, OMIM 250940.

Submission:

Victorian Clinical Genetics Services, Murdoch Childrens Research Institute
Classification: Uncertain significance for Methylcobalamin deficiency type cblG. Last evaluated: 2025-02-27. Review status: criteria provided, single submitter. Criteria: ACMG Guidelines, 2015. Collection method: clinical testing. Allele origin: germline. Affected: yes.
Comment: This variant is classified as VUS-3A. Evidence in support of pathogenic classification: In-frame insertion/deletion in a non-repetitive region that has low conservation; Variant is present in gnomAD <0.01 for a recessive condition (v4: 1 heterozygote(s), 0 homozygote(s)); Strong phenotype match for this individual. Additional information: This variant is homozygous; This gene is associated with autosomal recessive disease; This variant has no previous evidence of pathogenicity; No published segregation evidence has been identified for this variant; No published functional evidence has been identified for this variant; No comparable in-frame deletion variants have previous evidence for pathogenicity; Variant is located in the annotated pterin binding enzyme domain (DECIPHER); Loss of function is a known mechanism of disease in this gene and is associated with homocystinuria-megaloblastic anaemia, cblG complementation type (MIM#250940).

NM_000254.3(MTR):c.1505AAG[1] (p.Glu503del)

Gene: MTR (5-methyltetrahydrofolate-homocysteine methyltransferase; plus strand). Cytogenetic location: 1q43.
Variant type: Microsatellite.
Coding change: c.1505AAG[1] on transcript NM_000254.3 (MANE Select); one copy of the 3-base unit AAG starting at c.1505; the reference has two copies in a row; one copy, 3 bases deleted; also written c.1508_1510del.
Protein change: p.Glu503del; deletes glutamic acid 503.
Molecular consequence: inframe deletion.
Genome position (GRCh38, 1-based): chr1:236,838,592-236,838,594, AAG deleted; deleting any 3 consecutive bases within chr1:236,838,588-236,838,594 gives the same sequence; the position shown is the placement nearest the transcript's 3' end. VCF-style (leftmost placement, unchanged base first): chr1-236838587-TGAA-T. GRCh37 (hg19) VCF-style: chr1-237001887-TGAA-T.
Other names: c.1505AAG[1], p.Glu503del (NM_001291939.1, NM_001410942.1); c.284AAG[1], p.Glu96del (NM_001291940.2); c.1508_1510del (NM_000254.3); short protein forms E503del, E96del.
Identifiers: ClinVar variation 4531405 (VCV004531405.1).